The following is an entry in ClinVar:

NM_000059.4(BRCA2):c.1749G>A (p.Leu583=)

Gene: BRCA2 (BRCA2 DNA repair associated; plus strand). Cytogenetic location: 13q13.1.
Variant type: single nucleotide variant.
Coding change: c.1749G>A on transcript NM_000059.4 (MANE Select); coding-DNA position 1749, G replaced by A.
Protein change: p.Leu583=; no amino-acid change (leucine 583 retained).
Molecular consequence: synonymous variant.
Genome position (GRCh38, 1-based): chr13:32,333,227, G>A. VCF-style: chr13-32333227-G-A. GRCh37 (hg19) VCF-style: chr13-32907364-G-A.
Identifiers: ClinVar variation 231308 (VCV000231308.58), dbSNP rs780324598, ClinGen allele CA6940539.

ClinVar aggregate classification (germline): Likely benign. Review status: reviewed by expert panel (3 of 4 stars). 10 submissions from 10 submitters: Likely benign (1). 9 of the submissions do not count toward it. Last evaluated 2017-06-29.

Conditions:
BRCA2-related cancer predisposition. Identifiers: MedGen CN377758, MONDO:0700269.
Hereditary cancer-predisposing syndrome. Also called: Neoplastic Syndromes, Hereditary; Hereditary Cancer Syndrome; Tumor predisposition; Hereditary neoplastic syndrome. Identifiers: Orphanet 140162, MedGen C0027672, MeSH D009386, MONDO:0015356.
Hereditary breast ovarian cancer syndrome. Also called: BRCA1- and BRCA2-Associated Hereditary Breast and Ovarian Cancer; Hereditary breast and ovarian cancer syndrome (HBOC); Hereditary breast and ovarian cancer syndrome; Hereditary breast and ovarian cancer; Hereditary breast and/or ovarian cancer syndrome; Breast and ovarian cancer. Identifiers: Orphanet 145, MedGen C0677776, MeSH D061325, MONDO:0003582. Disease mechanism: loss of function.
Breast-ovarian cancer, familial, susceptibility to, 2 (BROVCA2). Also called: BRCA2 Hereditary Breast and Ovarian Cancer. Identifiers: Orphanet 145, MedGen C2675520, MONDO:0012933, OMIM 612555. Disease mechanism: loss of function.

Allele frequency attached by ClinVar (database versions not stated): gnomAD exomes 0.00001 and 0.00003; ExAC 0.00003; TOPMed 0.00003; gnomAD 0.00005.
gnomAD v4.1: 28 of 1,612,294 alleles (0.0017%); highest among the groups gnomAD compares: African/African-American, 0.0067%; no homozygotes.

Submissions (10):

Evidence-based Network for the Interpretation of Germline Mutant Alleles (ENIGMA)
Classification: Likely benign for Breast-ovarian cancer, familial, susceptibility to, 2. Last evaluated: 2017-06-29. Review status: reviewed by expert panel. Criteria: ENIGMA BRCA1/2 Classification Criteria (2017-06-29). Collection method: curation. Allele origin: germline.
Comment: Synonymous substitution variant, with low bioinformatic likelihood to result in a splicing aberration (Splicing prior probability 0.02).

Labcorp Genetics (formerly Invitae), Labcorp
Classification: Likely benign for Hereditary breast ovarian cancer syndrome. Last evaluated: 2026-01-19. Review status: criteria provided, single submitter. Criteria: Invitae Variant Classification Sherloc (09022015). Collection method: clinical testing. Allele origin: germline. Not counted in ClinVar's aggregate classification.

Department of Pathology and Laboratory Medicine, Sinai Health System
Classification: Likely benign for BRCA2-related cancer predisposition. Last evaluated: 2024-08-20. Review status: criteria provided, single submitter. Criteria: ACMG Guidelines, 2015. Collection method: clinical testing. Allele origin: germline. Not counted in ClinVar's aggregate classification.

All of Us Research Program, National Institutes of Health
Classification: Likely benign for Breast-ovarian cancer, familial, susceptibility to, 2. Last evaluated: 2024-01-11. Review status: criteria provided, single submitter. Criteria: ACMG Guidelines, 2015. Collection method: clinical testing. Allele origin: germline. Inheritance: Autosomal dominant inheritance. Observed: 7 variant alleles, 7 heterozygotes. Not counted in ClinVar's aggregate classification.
Comment: This study involves interpretation of variants in research participants for the purpose of population health screening. Participant phenotype was not available at the time of variant classification. Additional details can be found in publication PMID: 35346344, PMCID: PMC8962531

Quest Diagnostics Nichols Institute San Juan Capistrano
Classification: Likely benign. Last evaluated: 2023-05-17. Review status: criteria provided, single submitter. Criteria: Quest Diagnostics criteria. Collection method: clinical testing. Allele origin: unknown. Not counted in ClinVar's aggregate classification.

CeGaT Center for Human Genetics Tuebingen
Classification: Likely benign. Last evaluated: 2021-06-01. Review status: criteria provided, single submitter. Criteria: CeGaT Center For Human Genetics Tuebingen Variant Classification Criteria Version 2. Collection method: clinical testing. Allele origin: germline. Affected: yes. Observed: 1 variant allele. Not counted in ClinVar's aggregate classification.

Women's Health and Genetics/Laboratory Corporation of America, LabCorp
Classification: Likely benign. Last evaluated: 2019-08-21. Review status: criteria provided, single submitter. Criteria: LabCorp Variant Classification Summary - May 2015. Collection method: clinical testing. Allele origin: germline. Not counted in ClinVar's aggregate classification.

Ambry Genetics
Classification: Likely benign for Hereditary cancer-predisposing syndrome. Last evaluated: 2018-02-22. Review status: criteria provided, single submitter. Criteria: Ambry Variant Classification Scheme 2023. Collection method: clinical testing. Allele origin: germline. Not counted in ClinVar's aggregate classification.

Color Diagnostics, LLC DBA Color Health
Classification: Likely benign for Hereditary cancer-predisposing syndrome. Last evaluated: 2016-12-01. Review status: criteria provided, single submitter. Criteria: ACMG Guidelines, 2015. Collection method: clinical testing. Allele origin: germline. Not counted in ClinVar's aggregate classification.

GeneDx
Classification: Benign. Last evaluated: 2015-03-10. Review status: criteria provided, single submitter. Criteria: GeneDx Variant Classification (06012015). Collection method: clinical testing. Allele origin: germline. Affected: yes. Not counted in ClinVar's aggregate classification.
Comment: This variant is considered likely benign or benign based on one or more of the following criteria: it is a conservative change, it occurs at a poorly conserved position in the protein, it is predicted to be benign by multiple in silico algorithms, and/or has population frequency not consistent with disease.

Literature cited by the submitters: PubMed 21232165 (cited by 3 submitters).